The following is an entry in ClinVar:

NM_001365951.3(KIF1B):c.5231T>C (p.Ile1744Thr)

Gene: KIF1B (kinesin family member 1B; plus strand). Cytogenetic location: 1p36.22.
Variant type: single nucleotide variant.
Coding change: c.5231T>C on transcript NM_001365951.3 (MANE Select); coding-DNA position 5231, T replaced by C.
Protein change: p.Ile1744Thr; replaces isoleucine 1744 with threonine.
Molecular consequence: missense variant.
Genome position (GRCh38, 1-based): chr1:10,374,988, T>C. VCF-style: chr1-10374988-T-C. GRCh37 (hg19) VCF-style: chr1-10435046-T-C.
Other names: c.5231T>C, p.Ile1744Thr (NM_001365952.1); c.5093T>C, p.Ile1698Thr (NM_015074.3); short protein forms I1698T, I1744T.
Identifiers: ClinVar variation 917337 (VCV000917337.3), dbSNP rs757828399, ClinGen allele CA17856405.

ClinVar aggregate classification (germline): Uncertain significance. Review status: criteria provided, multiple submitters, no conflicts (2 of 4 stars). 2 submissions from 2 submitters: Uncertain significance (2). Last evaluated 2024-01-27.

Conditions:
Charcot-Marie-Tooth disease. Also called: Charcot-Marie-Tooth Hereditary Neuropathy; Charcot-Marie-Tooth Neuropathy. Identifiers: Orphanet 166, MedGen C0007959, MONDO:0015626.

Allele frequency attached by ClinVar (database versions not stated): gnomAD exomes 0.00001.
gnomAD v4.1: 11 of 1,614,150 alleles (0.00068%); highest among the groups gnomAD compares: Non-Finnish European, 0.00093%; no homozygotes.

Submissions (2):

Ambry Genetics
Classification: Uncertain significance. Last evaluated: 2024-01-27. Review status: criteria provided, single submitter. Criteria: Ambry Variant Classification Scheme 2023. Collection method: clinical testing. Allele origin: germline.
Comment: The p.I1698T variant (also known as c.5093T>C), located in coding exon 44 of the KIF1B gene, results from a T to C substitution at nucleotide position 5093. The isoleucine at codon 1698 is replaced by threonine, an amino acid with similar properties. This amino acid position is conserved. In addition, the in silico prediction for this alteration is inconclusive. Since supporting evidence is limited at this time, the clinical significance of this alteration remains unclear.

Molecular Genetics Laboratory, London Health Sciences Centre
Classification: Uncertain significance for Charcot-Marie-Tooth disease. Review status: criteria provided, single submitter. Criteria: ACMG Guidelines, 2015. Collection method: clinical testing. Allele origin: germline. Affected: yes.